The following is an entry in ClinVar:

NM_001164508.2(NEB):c.4720-2A>G

Gene: NEB (nebulin; minus strand). Cytogenetic location: 2q23.3.
Variant type: single nucleotide variant.
Coding change: c.4720-2A>G on transcript NM_001164508.2 (MANE Select); the canonical splice acceptor site of the intron before coding-DNA position 4720, A replaced by G.
Molecular consequence: splice acceptor variant.
Genome position (GRCh38, 1-based): chr2:151,666,403, T>C on the plus strand (A>G on the coding strand, the complement: NEB is on the minus strand). VCF-style: chr2-151666403-T-C. GRCh37 (hg19) VCF-style: chr2-152522917-T-C.
Other names: c.4720-2A>G (NM_004543.5, NM_001164507.2, NM_001271208.2).
Identifiers: ClinVar variation 373328 (VCV000373328.2), dbSNP rs1057518353, ClinGen allele CA16042348.

ClinVar aggregate classification (germline): Likely pathogenic. Review status: criteria provided, multiple submitters, no conflicts (2 of 4 stars). 2 submissions from 2 submitters: Likely pathogenic (2). Last evaluated 2023-11-17.

Conditions:
Arthrogryposis multiplex congenita 6. Identifiers: MedGen C5543431, MONDO:0030281, OMIM 619334.

Submissions (2):

Baylor Genetics
Classification: Likely pathogenic for Arthrogryposis multiplex congenita 6. Last evaluated: 2023-11-17. Review status: criteria provided, single submitter. Criteria: ACMG Guidelines, 2015. Collection method: clinical testing. Allele origin: unknown.

GeneDx
Classification: Likely pathogenic. Last evaluated: 2016-11-11. Review status: criteria provided, single submitter. Criteria: GeneDx Variant Classification (06012015). Collection method: clinical testing. Allele origin: germline. Affected: yes.
Comment: The c.4720-2A>G variant in the NEB gene has not been reported previously as a pathogenic variant nor as a benign variant, to our knowledge. This splice site variant destroys the canonical splice acceptor site in intron 40, which is predicted to cause abnormal gene splicing. The c.4720-2A>G variant was not observed in approximately 5900 individuals of European and African American ancestry in the NHLBI Exome Sequencing Project, indicating it is not a common benign variant in these populations. The c.4720-2A>G variant is a strong candidate for a pathogenic variant.